The following is an entry in ClinVar:

NM_001365276.2(TNXB):c.2590C>A (p.Gln864Lys)

Gene: TNXB (tenascin XB; minus strand). Cytogenetic location: 6p21.33.
Variant type: single nucleotide variant.
Coding change: c.2590C>A on transcript NM_001365276.2 (MANE Select); coding-DNA position 2590, C replaced by A.
Protein change: p.Gln864Lys; replaces glutamine 864 with lysine.
Molecular consequence: missense variant.
Genome position (GRCh38, 1-based): chr6:32,088,974, G>T on the plus strand (C>A on the coding strand, the complement: TNXB is on the minus strand). VCF-style: chr6-32088974-G-T. GRCh37 (hg19) VCF-style: chr6-32056751-G-T.
Other names: c.2590C>A, p.Gln864Lys (NM_019105.8); short protein forms Q864K.
Identifiers: ClinVar variation 2562157 (VCV002562157.3), dbSNP rs748223125, ClinGen allele CA3735450.

ClinVar aggregate classification (germline): Uncertain significance (1 of 4 stars; one submission).

Conditions:
Cardiovascular phenotype. Identifiers: MedGen CN230736.

Allele frequency attached by ClinVar (database versions not stated): ExAC 0.00001; gnomAD 0.00005.

Submission:

Ambry Genetics
Classification: Uncertain significance for Cardiovascular phenotype. Last evaluated: 2026-08-04. Review status: criteria provided, single submitter. Criteria: Ambry Variant Classification Scheme 2023. Collection method: clinical testing. Allele origin: germline.
Comment: The c.2590C>A (p.Q864K) alteration is located in exon 6 (coding exon 5) of the TNXB gene. This alteration results from a C to A substitution at nucleotide position 2590, causing the glutamine (Q) at amino acid position 864 to be replaced by a lysine (K). Based on data from gnomAD, the A allele has an overall frequency of 0.002% (4/245626) total alleles studied. The highest observed frequency was 0.027% (4/14848) of African alleles. Based on insufficient or conflicting evidence, the clinical significance of this alteration remains unclear.